The following is an entry in ClinVar:

NM_014423.4(AFF4):c.2656T>A (p.Ser886Thr)

Gene: AFF4 (ALF transcription elongation factor 4; minus strand). Cytogenetic location: 5q31.1.
Variant type: single nucleotide variant.
Coding change: c.2656T>A on transcript NM_014423.4 (MANE Select); coding-DNA position 2656, T replaced by A.
Protein change: p.Ser886Thr; replaces serine 886 with threonine.
Molecular consequence: missense variant.
Genome position (GRCh38, 1-based): chr5:132,889,155, A>T on the plus strand (T>A on the coding strand, the complement: AFF4 is on the minus strand). VCF-style: chr5-132889155-A-T. GRCh37 (hg19) VCF-style: chr5-132224847-A-T.
Other names: c.2656T>A (NM_014423.3); short protein forms S886T.
Identifiers: ClinVar variation 2502245 (VCV002502245.9), dbSNP rs779261547, ClinGen allele CA3408857.
Genomic context (GRCh38, chr5:132,889,155, plus strand): 5'-GCTTTGTTCTCCGAGGCTTAGAAGAATCAAGAGTTGGTGCAGATGGAGGACAGTTAGAGG[A>T]GCTACTTGGAGCCTTTTCCTGACCAAAAAAATATATAACTACAATGAAAACCGTAAGGAG-3'
Protein context (NP_055238.1, residues 876-896): KEVKEKAPSS[Ser886Thr]SNCPPSAPTL

ClinVar aggregate classification (germline): Conflicting classifications of pathogenicity. Review status: criteria provided, conflicting classifications (1 of 4 stars). 4 submissions from 4 submitters: Uncertain significance (2); Likely benign (2). Last evaluated 2026-01-05.

Conditions:
Cognitive impairment - coarse facies - heart defects - obesity - pulmonary involvement - short stature - skeletal dysplasia syndrome. Also called: Chops syndrome; COGNITIVE IMPAIRMENT, COARSE FACIES, HEART DEFECTS, OBESITY, PULMONARY INVOLVEMENT, SHORT STATURE, AND SKELETAL DYSPLASIA; AFF4-Related CHOPS Syndrome. Identifiers: Orphanet 444077, MedGen C4085597, MONDO:0014609, OMIM 616368.
AFF4-related disorder. Also called: AFF4-related condition.
Inborn genetic diseases. Identifiers: MedGen C0950123, MeSH D030342.

Allele frequency attached by ClinVar (database versions not stated): TOPMed 0.00002; gnomAD 0.00003; gnomAD exomes 0.00004; ExAC 0.00014.
gnomAD v4.1: 68 of 1,613,592 alleles (0.0042%); highest among the groups gnomAD compares: South Asian, 0.068%; no homozygotes.

Submissions (4):

PreventionGenetics, part of Exact Sciences
Classification: Uncertain significance for AFF4-related condition. Last evaluated: 2026-01-05. Review status: criteria provided, single submitter. Criteria: ACMG Guidelines, 2015. Collection method: clinical testing. Allele origin: germline.
Comment: The AFF4 c.2656T>A variant is predicted to result in the amino acid substitution p.Ser886Thr. To our knowledge, this variant has not been reported in the literature. This variant is reported in 0.082% of alleles in individuals of South Asian descent in gnomAD. Although we suspect that this variant may be benign, at this time, the clinical significance of this variant is uncertain due to the absence of conclusive functional and genetic evidence.

Labcorp Genetics (formerly Invitae), Labcorp
Classification: Likely benign for Cognitive impairment - coarse facies - heart defects - obesity - pulmonary involvement - short stature - skeletal dysplasia syndrome. Last evaluated: 2023-07-12. Review status: criteria provided, single submitter. Criteria: Invitae Variant Classification Sherloc (09022015). Collection method: clinical testing. Allele origin: germline.

Ambry Genetics
Classification: Likely benign for Inborn genetic diseases. Last evaluated: 2022-07-19. Review status: criteria provided, single submitter. Criteria: Ambry Variant Classification Scheme 2023. Collection method: clinical testing. Allele origin: germline.

New York Genome Center
Classification: Uncertain significance for Cognitive impairment - coarse facies - heart defects - obesity - pulmonary involvement - short stature - skeletal dysplasia syndrome. Last evaluated: 2022-04-06. Review status: criteria provided, single submitter. Criteria: NYGC Assertion Criteria 2020. Collection method: clinical testing. Allele origin: germline. Observed: 1 heterozygote.